The following is an entry in ClinVar:

ClinVar aggregate classification (germline): Uncertain significance (1 of 4 stars; one submission).

Allele frequency attached by ClinVar (database versions not stated): ExAC 0.00001.
gnomAD v4.1: 6 of 1,612,756 alleles (0.00037%); highest among the groups gnomAD compares: Admixed American, 0.005%; no homozygotes.

Submission:

Labcorp Genetics (formerly Invitae), Labcorp
Classification: Uncertain significance. Last evaluated: 2022-07-11. Review status: criteria provided, single submitter. Criteria: Invitae Variant Classification Sherloc (09022015). Collection method: clinical testing. Allele origin: germline.
Comment: In summary, the available evidence is currently insufficient to determine the role of this variant in disease. Therefore, it has been classified as a Variant of Uncertain Significance. Algorithms developed to predict the effect of missense changes on protein structure and function are either unavailable or do not agree on the potential impact of this missense change (SIFT: "Deleterious"; PolyPhen-2: "Benign"; Align-GVGD: "Class C55"). This variant has not been reported in the literature in individuals affected with NBAS-related conditions. This variant is present in population databases (rs762413546, gnomAD 0.003%). This sequence change replaces alanine, which is neutral and non-polar, with threonine, which is neutral and polar, at codon 1544 of the NBAS protein (p.Ala1544Thr).

NM_015909.4(NBAS):c.4630G>A (p.Ala1544Thr)

Gene: NBAS (NBAS subunit of NRZ tethering complex; minus strand). Cytogenetic location: 2p24.3.
Variant type: single nucleotide variant.
Coding change: c.4630G>A on transcript NM_015909.4 (MANE Select); coding-DNA position 4630, G replaced by A.
Protein change: p.Ala1544Thr; replaces alanine 1544 with threonine.
Molecular consequence: missense variant. On other transcripts: non-coding transcript variant (1).
Genome position (GRCh38, 1-based): chr2:15,309,200, C>T on the plus strand (G>A on the coding strand, the complement: NBAS is on the minus strand). VCF-style: chr2-15309200-C-T. GRCh37 (hg19) VCF-style: chr2-15449324-C-T.
Other names: short protein forms A1544T.
Identifiers: ClinVar variation 1964673 (VCV001964673.3), dbSNP rs762413546, ClinGen allele CA1535585.